The following is an entry in ClinVar:

NM_000440.3(PDE6A):c.1219A>G (p.Lys407Glu)

Gene: PDE6A (phosphodiesterase 6A; minus strand). Cytogenetic location: 5q32.
Variant type: single nucleotide variant.
Coding change: c.1219A>G on transcript NM_000440.3 (MANE Select); coding-DNA position 1219, A replaced by G.
Protein change: p.Lys407Glu; replaces lysine 407 with glutamic acid.
Molecular consequence: missense variant.
Genome position (GRCh38, 1-based): chr5:149,899,419, T>C on the plus strand (A>G on the coding strand, the complement: PDE6A is on the minus strand). VCF-style: chr5-149899419-T-C. GRCh37 (hg19) VCF-style: chr5-149278982-T-C.
Other names: short protein forms K407E.
Identifiers: ClinVar variation 1027218 (VCV001027218.9), dbSNP rs1269193144, ClinGen allele CA361696789.

ClinVar aggregate classification (germline): Uncertain significance. Review status: criteria provided, multiple submitters, no conflicts (2 of 4 stars). 2 submissions from 2 submitters: Uncertain significance (2). Last evaluated 2025-02-10.

Allele frequency attached by ClinVar (database versions not stated): TOPMed 0.00001.
gnomAD v4.1: 2 of 1,614,190 alleles (0.00012%); highest among the groups gnomAD compares: Admixed American, 0.0033%; no homozygotes.

Submissions (2):

Labcorp Genetics (formerly Invitae), Labcorp
Classification: Uncertain significance. Last evaluated: 2025-02-10. Review status: criteria provided, single submitter. Criteria: Invitae Variant Classification Sherloc (09022015). Collection method: clinical testing. Allele origin: germline.
Comment: This sequence change replaces lysine, which is basic and polar, with glutamic acid, which is acidic and polar, at codon 407 of the PDE6A protein (p.Lys407Glu). This variant is present in population databases (no rsID available, gnomAD 0.003%). This variant has not been reported in the literature in individuals affected with PDE6A-related conditions. ClinVar contains an entry for this variant (Variation ID: 1027218). Invitae Evidence Modeling of protein sequence and biophysical properties (such as structural, functional, and spatial information, amino acid conservation, physicochemical variation, residue mobility, and thermodynamic stability) indicates that this missense variant is not expected to disrupt PDE6A protein function with a negative predictive value of 95%. In summary, the available evidence is currently insufficient to determine the role of this variant in disease. Therefore, it has been classified as a Variant of Uncertain Significance.

Blueprint Genetics
Classification: Uncertain significance. Last evaluated: 2020-08-14. Review status: criteria provided, single submitter. Criteria: ACMG Guidelines, 2015. Collection method: clinical testing. Allele origin: germline.